The following is an entry in ClinVar:

NM_025114.4(CEP290):c.6350T>G (p.Val2117Gly)

Genes: CEP290 (centrosomal protein 290; minus strand), LOC129390514 (MPRA-validated peak1864 silencer; plus strand). Cytogenetic location: 12q21.32.
Variant type: single nucleotide variant.
Coding change: c.6350T>G on transcript NM_025114.4 (MANE Select); coding-DNA position 6350, T replaced by G.
Protein change: p.Val2117Gly; replaces valine 2117 with glycine.
Molecular consequence: missense variant.
Genome position (GRCh38, 1-based): chr12:88,062,699, A>C on the plus strand (T>G on the coding strand, the complement: CEP290 is on the minus strand). VCF-style: chr12-88062699-A-C. GRCh37 (hg19) VCF-style: chr12-88456476-A-C.
Other names: short protein forms V2117G.
Identifiers: ClinVar variation 4991885 (VCV004991885.1).

ClinVar aggregate classification (germline): Uncertain significance (1 of 4 stars; one submission).

Conditions:
CEP290-related disorder. Also called: CEP290-related condition; CEP290-related disorders. Identifiers: MedGen CN239314.

Submission:

PreventionGenetics, part of Exact Sciences
Classification: Uncertain significance for CEP290-related condition. Last evaluated: 2025-11-05. Review status: criteria provided, single submitter. Criteria: ACMG Guidelines, 2015. Collection method: clinical testing. Allele origin: germline.
Comment: The CEP290 c.6350T>G variant is predicted to result in the amino acid substitution p.Val2117Gly. To our knowledge, this variant has not been reported in the literature or in a large population database (gnomAD), indicating this variant is rare. At this time, the clinical significance of this variant is uncertain due to the absence of conclusive functional and genetic evidence.